The following is an entry in ClinVar:

NM_001369.3(DNAH5):c.7420dup (p.Glu2474fs)

Gene: DNAH5 (dynein axonemal heavy chain 5; minus strand). Cytogenetic location: 5p15.2.
Variant type: Duplication.
Coding change: c.7420dup on transcript NM_001369.3 (MANE Select); coding-DNA position 7420, one base duplicated (G; older notation c.7420dupG).
Protein change: p.Glu2474fs; shifts the reading frame from glutamic acid 2474.
Molecular consequence: frameshift variant.
Genome position (GRCh38, 1-based): chr5:13,810,248, C duplicated on the plus strand (G on the coding strand, the reverse complement: DNAH5 is on the minus strand); the first of 4 consecutive C bases (chr5:13,810,248-13,810,251); duplicating any one gives the same sequence. VCF-style (leftmost placement, unchanged base first): chr5-13810247-T-TC. GRCh37 (hg19) VCF-style: chr5-13810356-T-TC.
Other names: short protein forms E2474fs.
Identifiers: ClinVar variation 5012291 (VCV005012291.1).

ClinVar aggregate classification (germline): Pathogenic (1 of 4 stars; one submission).

Conditions:
Primary ciliary dyskinesia 3. Identifiers: Orphanet 244, MedGen C1837618, MONDO:0012085, OMIM 608644.

Submission:

Myriad Genetics, Inc.
Classification: Pathogenic for Primary ciliary dyskinesia 3. Last evaluated: 2023-09-27. Review status: criteria provided, single submitter. Criteria: Myriad Autosomal Dominant, Autosomal Recessive and X-Linked Classification Criteria (2023). Collection method: clinical testing. Allele origin: unknown.
Comment: NM_001369.2(DNAH5):c.7420dupG(E2474Gfs*81) is expected to be pathogenic in the context of primary ciliary dyskinesia, DNAH5-related. This variant is predicted to lead to an abnormal or absent protein product due to the creation of a premature termination codon in DNAH5, a gene where loss-of-function variants are known to be pathogenic. Please note: this variant was assessed in the context of healthy population screening.